The following is an entry in ClinVar:

NM_175875.5(SIX5):c.135GGC[4] (p.Ala50del)

Genes: DM1-AS (DM1 locus antisense RNA; plus strand), SIX5 (SIX homeobox 5; minus strand), LOC107075317 (origin of replication in DMPK trinucleotide repeat region; plus strand), LOC129929037 (ATAC-STARR-seq lymphoblastoid silent region 10794; plus strand). Cytogenetic location: 19q13.32.
Variant type: Microsatellite.
Coding change: c.135GGC[4] on transcript NM_175875.5 (MANE Select); four copies in a row of the 3-base unit GGC starting at c.135; the reference has five copies in a row; one copy, 3 bases deleted.
Protein change: p.Ala50del; deletes alanine 50.
Genome position (GRCh38, 1-based): chr19:45,768,696-45,768,698, GCC deleted on the plus strand (GGC on the coding strand, the reverse complement: SIX5 is on the minus strand); deleting any 3 consecutive bases within chr19:45,768,696-45,768,710 gives the same sequence; the position shown is the placement nearest the transcript's 3' end. VCF-style (leftmost placement, unchanged base first): chr19-45768695-GGCC-G. GRCh37 (hg19) VCF-style: chr19-46271953-GGCC-G.
Other names: short protein forms A50del.
Identifiers: ClinVar variation 3060057 (VCV003060057.3), dbSNP rs772182553, ClinGen allele CA9520868.

ClinVar aggregate classification (germline): Uncertain significance. Review status: criteria provided, single submitter (1 of 4 stars). 2 submissions from 2 submitters: Uncertain significance (1). 1 of the submissions does not count toward it. Last evaluated 2025-09-16.

Conditions:
SIX5-related disorder. Also called: SIX5-related condition.

Submissions (2):

Labcorp Genetics (formerly Invitae), Labcorp
Classification: Uncertain significance. Last evaluated: 2025-09-16. Review status: criteria provided, single submitter. Criteria: Invitae Variant Classification Sherloc (09022015). Collection method: clinical testing. Allele origin: germline.
Comment: This variant, c.147_149del, results in the deletion of 1 amino acid(s) of the SIX5 protein (p.Ala50del), but otherwise preserves the integrity of the reading frame. The frequency data for this variant in the population databases is considered unreliable, as metrics indicate poor data quality at this position in the gnomAD database. This variant has not been reported in the literature in individuals affected with SIX5-related conditions. Experimental studies and prediction algorithms are not available or were not evaluated, and the functional significance of this variant is currently unknown. In summary, the available evidence is currently insufficient to determine the role of this variant in disease. Therefore, it has been classified as a Variant of Uncertain Significance.

PreventionGenetics, part of Exact Sciences
Classification: Likely benign for SIX5-related condition. Last evaluated: 2020-11-10. Review status: no assertion criteria provided. Collection method: clinical testing. Allele origin: germline. Not counted in ClinVar's aggregate classification.
Comment: This variant is classified as likely benign based on ACMG/AMP sequence variant interpretation guidelines (Richards et al. 2015 PMID: 25741868, with internal and published modifications).